The following is an entry in ClinVar:

ClinVar aggregate classification (germline): Uncertain significance (1 of 4 stars; one submission).

Conditions:
Cardiovascular phenotype. Identifiers: MedGen CN230736.

Submission:

Ambry Genetics
Classification: Uncertain significance for Cardiovascular phenotype. Last evaluated: 2023-02-16. Review status: criteria provided, single submitter. Criteria: Ambry Variant Classification Scheme 2023. Collection method: clinical testing. Allele origin: germline.
Comment: The p.P913L variant (also known as c.2738C>T), located in coding exon 1 of the ZNF469 gene, results from a C to T substitution at nucleotide position 2738. The proline at codon 913 is replaced by leucine, an amino acid with similar properties. This amino acid position is conserved. In addition, this alteration is predicted to be tolerated by in silico analysis. Since supporting evidence is limited at this time, the clinical significance of this alteration remains unclear.

NM_001367624.2(ZNF469):c.2738C>T (p.Pro913Leu)

Gene: ZNF469 (zinc finger protein 469; plus strand). Cytogenetic location: 16q24.2.
Variant type: single nucleotide variant.
Coding change: c.2738C>T on transcript NM_001367624.2 (MANE Select); coding-DNA position 2738, C replaced by T.
Protein change: p.Pro913Leu; replaces proline 913 with leucine.
Molecular consequence: missense variant.
Genome position (GRCh38, 1-based): chr16:88,430,208, C>T. VCF-style: chr16-88430208-C-T. GRCh37 (hg19) VCF-style: chr16-88496616-C-T.
Other names: NM_001127464.1:c.2738C>T; short protein forms P913L.
Identifiers: ClinVar variation 2449509 (VCV002449509.2), dbSNP rs1567510774, ClinGen allele CA397075157.